The following is an entry in ClinVar:

NM_004168.4(SDHA):c.833C>T (p.Ala278Val)

Gene: SDHA (succinate dehydrogenase complex flavoprotein subunit A; plus strand). Cytogenetic location: 5p15.33.
Variant type: single nucleotide variant.
Coding change: c.833C>T on transcript NM_004168.4 (MANE Select); coding-DNA position 833, C replaced by T.
Protein change: p.Ala278Val; replaces alanine 278 with valine.
Molecular consequence: missense variant.
Genome position (GRCh38, 1-based): chr5:230,938, C>T. VCF-style: chr5-230938-C-T. GRCh37 (hg19) VCF-style: chr5-231053-C-T.
Other names: c.689C>T, p.Ala230Val (NM_001294332.2); c.833C>T, p.Ala278Val (NM_001330758.2); short protein forms A278V, A230V.
Identifiers: ClinVar variation 389623 (VCV000389623.3), dbSNP rs1057523490, ClinGen allele CA16604888.

ClinVar aggregate classification (germline): Uncertain significance. Review status: criteria provided, multiple submitters, no conflicts (2 of 4 stars). 2 submissions from 2 submitters: Uncertain significance (2). Last evaluated 2025-12-07.

Conditions:
Hereditary cancer-predisposing syndrome. Also called: Hereditary Cancer Syndrome; Hereditary neoplastic syndrome; Neoplastic Syndromes, Hereditary; Tumor predisposition. Identifiers: Orphanet 140162, MedGen C0027672, MeSH D009386, MONDO:0015356.

Submissions (2):

Ambry Genetics
Classification: Uncertain significance for Hereditary cancer-predisposing syndrome. Last evaluated: 2025-12-07. Review status: criteria provided, single submitter. Criteria: Ambry Variant Classification Scheme 2023. Collection method: clinical testing. Allele origin: germline.
Comment: The p.A278V variant (also known as c.833C>T), located in coding exon 7 of the SDHA gene, results from a C to T substitution at nucleotide position 833. The alanine at codon 278 is replaced by valine, an amino acid with similar properties. This amino acid position is conserved. In addition, the in silico prediction for this alteration is inconclusive. Based on the available evidence, the clinical significance of this variant remains unclear.

GeneDx
Classification: Uncertain significance. Last evaluated: 2016-10-13. Review status: criteria provided, single submitter. Criteria: GeneDx Variant Classification (06012015). Collection method: clinical testing. Allele origin: germline. Affected: yes.
Comment: A variant of uncertain significance has been identified in the SDHA gene. The A278V variant has not been published as a pathogenic variant, nor has it been reported as a benign variant to our knowledge. The A278V variant was not observed in approximately 6,500 individuals of European and African American ancestry in the NHLBI Exome Sequencing Project, indicating it is not a common benign variant in these populations. The A278V variant is a conservative amino acid substitution, which is not likely to impact secondary protein structure as these residues share similar properties. This substitution occurs at a position where amino acids with similar properties to Alanine are tolerated across species. In silico analysis predicts this variant is probably damaging to the protein structure/function. Therefore, based on the currently available information, it is unclear whether this variant is a pathogenic variant or a rare benign variant.